The following is an entry in ClinVar:

ClinVar aggregate classification (germline): Uncertain significance. Review status: criteria provided, multiple submitters, no conflicts (2 of 4 stars). 5 submissions from 5 submitters: Uncertain significance (5). Last evaluated 2026-08-03.

Conditions:
STRC-related disorder. Also called: STRC-related condition.
Inborn genetic diseases. Identifiers: MedGen C0950123, MeSH D030342.

Allele frequency attached by ClinVar (database versions not stated): gnomAD exomes 0.00004; gnomAD 0.00005.

Submissions (5):

PreventionGenetics, part of Exact Sciences
Classification: Uncertain significance for STRC-related condition. Last evaluated: 2026-08-03. Review status: criteria provided, single submitter. Criteria: ACMG Guidelines, 2015. Collection method: clinical testing. Allele origin: germline.
Comment: The STRC c.2494C>T variant is predicted to result in the amino acid substitution p.Arg832Trp. This variant has been reported in the compound heterozygous state to an STRC gene conversion event of exons 25 and 26 classified as uncertain in an individual with hearing loss (Conlin et al. 2022. PubMed ID: 36086952). At PreventionGenetics this variant has been reported in trans to a full gene deletion in two unrelated patients with hearing loss (internal data). This variant is reported in 0.0099% of alleles in individuals of Latino descent in gnomAD. Although we suspect that this variant may be pathogenic, at this time, the clinical significance of this variant is uncertain due to the absence of conclusive functional and genetic evidence.

GeneDx
Classification: Uncertain significance. Last evaluated: 2024-10-21. Review status: criteria provided, single submitter. Criteria: GeneDx Variant Classification Process June 2021. Collection method: clinical testing. Allele origin: germline. Affected: yes.
Comment: Reported in a patient with bilateral sensorineural hearing loss who also harbored a gene conversion event involving the STRC gene on the opposite allele (in trans) in the published literature (PMID: 36086952); In silico analysis supports that this missense variant has a deleterious effect on protein structure/function; This variant is associated with the following publications: (PMID: 36086952)

Mayo Clinic Laboratories, Mayo Clinic
Classification: Uncertain significance. Last evaluated: 2022-04-12. Review status: criteria provided, single submitter. Criteria: ACMG Guidelines, 2015. Collection method: clinical testing. Allele origin: germline. Observed: 1 variant allele.

Ambry Genetics
Classification: Uncertain significance for Inborn genetic diseases. Last evaluated: 2021-08-04. Review status: criteria provided, single submitter. Criteria: Ambry Variant Classification Scheme 2023. Collection method: clinical testing. Allele origin: germline.

Laboratory for Molecular Medicine, Mass General Brigham Personalized Medicine
Classification: Uncertain significance. Last evaluated: 2021-05-13. Review status: criteria provided, single submitter. Criteria: ACMG Guidelines, 2015. Collection method: clinical testing. Allele origin: germline.
Comment: The p.Arg832Trp variant in STRC has been identified by our laboratory in two individuals with hearing loss who also had a STRC/CATSPER2 deletion. This variant has been identified in 0.0001% (1/10124) Latino/Admixed American chromosomes and 0.006% (1/1742) other chromosomes by gnomAD; however, these frequency estimates may not be reliable due to low coverage of this region. Computational prediction tools and conservation analyses suggest that the Arg832Trp variant may impact the protein, though this information is not predictive enough to determine pathogenicity. In summary, while there is some suspicion for a pathogenic role, the clinical significance of this variant is uncertain. ACMG/AMP Criteria applied: PM3_Strong, PP3.

NM_153700.2(STRC):c.2494C>T (p.Arg832Trp)

Gene: STRC (stereocilin; minus strand). Cytogenetic location: 15q15.3.
Variant type: single nucleotide variant.
Coding change: c.2494C>T on transcript NM_153700.2 (MANE Select); coding-DNA position 2494, C replaced by T.
Protein change: p.Arg832Trp; replaces arginine 832 with tryptophan.
Molecular consequence: missense variant.
Genome position (GRCh38, 1-based): chr15:43,613,218, G>A on the plus strand (C>T on the coding strand, the complement: STRC is on the minus strand). VCF-style: chr15-43613218-G-A. GRCh37 (hg19) VCF-style: chr15-43905416-G-A.
Other names: short protein forms R832W.
Identifiers: ClinVar variation 229276 (VCV000229276.12), dbSNP rs876658007, ClinGen allele CA10576981.